The following is an entry in ClinVar:

ClinVar aggregate classification (germline): Conflicting classifications of pathogenicity. Review status: criteria provided, conflicting classifications (1 of 4 stars). 4 submissions from 4 submitters: Likely pathogenic (1); Uncertain significance (3). Last evaluated 2025-10-07.

Conditions:
MFN2-related disorder. Also called: MFN2-related disorders; MFN2-related condition.
Inborn genetic diseases. Identifiers: MedGen C0950123, MeSH D030342.
Charcot-Marie-Tooth disease type 2. Also called: Charcot-Marie-Tooth type 2. Identifiers: Orphanet 64746, MedGen C0270914, MONDO:0018993.

Allele frequency attached by ClinVar (database versions not stated): ExAC 0.00001; gnomAD exomes 0.00002.

Submissions (4):

Ambry Genetics
Classification: Uncertain significance for Inborn genetic diseases. Last evaluated: 2025-10-07. Review status: criteria provided, single submitter. Criteria: Ambry Variant Classification Scheme 2023. Collection method: clinical testing. Allele origin: germline.

PreventionGenetics, part of Exact Sciences
Classification: Uncertain significance for MFN2-related condition. Last evaluated: 2025-02-28. Review status: criteria provided, single submitter. Criteria: ACMG Guidelines, 2015. Collection method: clinical testing. Allele origin: germline.
Comment: The MFN2 c.1895G>A variant is predicted to result in the amino acid substitution p.Arg632Gln. To our knowledge, this variant has not been reported in the literature. A different substitution of this amino acid (c.1894C>T, p.Arg632Gln) has been reported in the homozygous state in two siblings with CMT (Hikiami et al. 2018. PubMed ID: 29215088). This variant is reported in 0.0054% of alleles in individuals of East Asian descent in gnomAD. At this time, the clinical significance of this variant is uncertain due to the absence of conclusive functional and genetic evidence.

Blueprint Genetics
Classification: Uncertain significance. Last evaluated: 2024-01-24. Review status: criteria provided, single submitter. Criteria: ACMG Guidelines, 2015. Collection method: clinical testing. Allele origin: germline.

Labcorp Genetics (formerly Invitae), Labcorp
Classification: Likely pathogenic for Charcot-Marie-Tooth disease type 2. Last evaluated: 2023-06-30. Review status: criteria provided, single submitter. Criteria: Invitae Variant Classification Sherloc (09022015). Collection method: clinical testing. Allele origin: germline.
Comment: ClinVar contains an entry for this variant (Variation ID: 2264359). This variant has not been reported in the literature in individuals affected with MFN2-related conditions. This variant is present in population databases (rs760375604, gnomAD 0.006%). This sequence change replaces arginine, which is basic and polar, with glutamine, which is neutral and polar, at codon 632 of the MFN2 protein (p.Arg632Gln). Advanced modeling of protein sequence and biophysical properties (such as structural, functional, and spatial information, amino acid conservation, physicochemical variation, residue mobility, and thermodynamic stability) performed at Invitae indicates that this missense variant is expected to disrupt MFN2 protein function. In summary, the currently available evidence indicates that the variant is pathogenic, but additional data are needed to prove that conclusively. Therefore, this variant has been classified as Likely Pathogenic. This variant disrupts the p.Arg632 amino acid residue in MFN2. Other variant(s) that disrupt this residue have been determined to be pathogenic (PMID: 29215088). This suggests that this residue is clinically significant, and that variants that disrupt this residue are likely to be disease-causing.

Literature cited by the submitters: PubMed 29215088 (cited by Labcorp Genetics (formerly Invitae), Labcorp).

NM_014874.4(MFN2):c.1895G>A (p.Arg632Gln)

Gene: MFN2 (mitofusin 2; plus strand). Cytogenetic location: 1p36.22.
Variant type: single nucleotide variant.
Coding change: c.1895G>A on transcript NM_014874.4 (MANE Select); coding-DNA position 1895, G replaced by A.
Protein change: p.Arg632Gln; replaces arginine 632 with glutamine.
Molecular consequence: missense variant.
Genome position (GRCh38, 1-based): chr1:12,007,075, G>A. VCF-style: chr1-12007075-G-A. GRCh37 (hg19) VCF-style: chr1-12067132-G-A.
Other names: c.1895G>A, p.Arg632Gln (NM_001127660.2); short protein forms R632Q.
Identifiers: ClinVar variation 2264359 (VCV002264359.8), dbSNP rs760375604, ClinGen allele CA599269.